The following is an entry in ClinVar:

NM_001267550.2(TTN):c.85541A>T (p.Lys28514Met)

Genes: TTN (titin; minus strand), TTN-AS1 (TTN antisense RNA 1; plus strand). Cytogenetic location: 2q31.2.
Variant type: single nucleotide variant.
Coding change: c.85541A>T on transcript NM_001267550.2 (MANE Select); coding-DNA position 85541, A replaced by T.
Protein change: p.Lys28514Met; replaces lysine 28514 with methionine.
Molecular consequence: missense variant.
Genome position (GRCh38, 1-based): chr2:178,560,591, T>A on the plus strand (A>T on the coding strand, the complement: TTN is on the minus strand). VCF-style: chr2-178560591-T-A. GRCh37 (hg19) VCF-style: chr2-179425318-T-A.
Other names: c.80618A>T, p.Lys26873Met (NM_001256850.1); c.58346A>T, p.Lys19449Met (NM_003319.4); c.77837A>T, p.Lys25946Met (NM_133378.4); c.58721A>T, p.Lys19574Met (NM_133432.3); c.58922A>T, p.Lys19641Met (NM_133437.4); short protein forms K25946M, K28514M, K19449M, K26873M, K19574M, K19641M.
Identifiers: ClinVar variation 332745 (VCV000332745.6), dbSNP rs886055234, ClinGen allele CA10613227.

ClinVar aggregate classification (germline): Conflicting classifications of pathogenicity. Review status: criteria provided, conflicting classifications (1 of 4 stars). 6 submissions from 2 submitters: Uncertain significance (5); Likely benign (1). Last evaluated 2018-04-09.

Conditions:
Dilated cardiomyopathy 1G (CMD1G). Identifiers: Orphanet 154, MedGen C1858763, MONDO:0011400, OMIM 604145.
Myopathy, myofibrillar, 9, with early respiratory failure (MFM9). Also called: Myopathy, distal, with early respiratory failure, autosomal dominant; Hereditary myopathy with early respiratory failure; EDSTROM MYOPATHY; MYOPATHY, PROXIMAL, WITH EARLY RESPIRATORY MUSCLE INVOLVEMENT. Identifiers: Orphanet 178464, Orphanet 34521, MedGen C1863599, MONDO:0011362, OMIM 603689.
Early-onset myopathy with fatal cardiomyopathy (CMYO5). Also called: CONGENITAL MYOPATHY 5 WITH CARDIOMYOPATHY; Salih Myopathy. Identifiers: Orphanet 289377, MedGen C2673677, MONDO:0012714, OMIM 611705. Disease mechanism: loss of function.
Tibial muscular dystrophy (TMD). Also called: Udd Distal Myopathy – Tibial Muscular Dystrophy; UDD MYOPATHY; Tibial muscular dystrophy, tardive. Identifiers: Orphanet 609, MedGen C1838244, MONDO:0010870, OMIM 600334.
Autosomal recessive limb-girdle muscular dystrophy type 2J (LGMDR10). Also called: MUSCULAR DYSTROPHY, LIMB-GIRDLE, AUTOSOMAL RECESSIVE 10; Limb-girdle muscular dystrophy, type 2J. Identifiers: Orphanet 140922, MedGen C1837342, MONDO:0012127, OMIM 608807.

Submissions (6):

GeneDx
Classification: Likely benign. Last evaluated: 2018-04-09. Review status: criteria provided, single submitter. Criteria: GeneDx Variant Classification (06012015). Collection method: clinical testing. Allele origin: germline. Affected: yes.
Comment: This variant is considered likely benign or benign based on one or more of the following criteria: it is a conservative change, it occurs at a poorly conserved position in the protein, it is predicted to be benign by multiple in silico algorithms, and/or has population frequency not consistent with disease.

Illumina Laboratory Services, Illumina
Classification: Uncertain significance for Dilated cardiomyopathy 1G. Last evaluated: 2018-01-13. Review status: criteria provided, single submitter. Criteria: ICSL Variant Classification Criteria 13 December 2019. Collection method: clinical testing. Allele origin: germline.

Illumina Laboratory Services, Illumina
Classification: Uncertain significance for Autosomal recessive limb-girdle muscular dystrophy type 2J. Last evaluated: 2018-01-13. Review status: criteria provided, single submitter. Criteria: ICSL Variant Classification Criteria 13 December 2019. Collection method: clinical testing. Allele origin: germline.

Illumina Laboratory Services, Illumina
Classification: Uncertain significance for Tibial muscular dystrophy. Last evaluated: 2018-01-13. Review status: criteria provided, single submitter. Criteria: ICSL Variant Classification Criteria 13 December 2019. Collection method: clinical testing. Allele origin: germline.

Illumina Laboratory Services, Illumina
Classification: Uncertain significance for Early-onset myopathy with fatal cardiomyopathy. Last evaluated: 2018-01-13. Review status: criteria provided, single submitter. Criteria: ICSL Variant Classification Criteria 13 December 2019. Collection method: clinical testing. Allele origin: germline.

Illumina Laboratory Services, Illumina
Classification: Uncertain significance for Myopathy, myofibrillar, 9, with early respiratory failure. Last evaluated: 2018-01-13. Review status: criteria provided, single submitter. Criteria: ICSL Variant Classification Criteria 13 December 2019. Collection method: clinical testing. Allele origin: germline.